The following is an entry in ClinVar:

ClinVar aggregate classification (germline): Uncertain significance (1 of 4 stars; one submission).

Conditions:
Congenital anomaly of kidney and urinary tract. Also called: Congenital anomalies of the kidney and urinary tract; Congenital anomalies of kidney and urinary tract. Identifiers: Orphanet 93545, MedGen C1968949, MeSH C566906, MONDO:0019719.
Congenital heart disease (CHD). Identifiers: MedGen C0152021, MONDO:0005453. Disease mechanism: unknown.

gnomAD v4.1: 40 of 1,613,758 alleles (0.0025%); highest among the groups gnomAD compares: Non-Finnish European, 0.0013%; no homozygotes.

Submission:

Institute Of Molecular Biology And Genetics, Federal Almazov National Medical Research Centre
Classification: Uncertain significance for Congenital heart disease; Congenital anomaly of kidney and urinary tract. Last evaluated: 2026-04-01. Review status: criteria provided, single submitter. Criteria: ACMG Guidelines, 2015. Collection method: clinical testing. Allele origin: germline. Affected: yes. Observed: 1 variant allele.
Comment: The missense variant NM_001372.4:c.4588G>A replaces glutamic acid (polar, negatively charged) with lysine (polar, positively charged) at codon 1530 of the DNAH9 protein (p.Glu1530Lys). The variant has a low allele frequency in public databases (ƒ = 0.00002479, GnomAD v4.1.0) (PM2), and a high CADD score (28.3). In summary, the available evidence is currently insufficient to determine the role of this variant in disease. Therefore, it has been classified as a Variant of Uncertain Significance.

NM_001372.4(DNAH9):c.4588G>A (p.Glu1530Lys)

Gene: DNAH9 (dynein axonemal heavy chain 9; plus strand). Cytogenetic location: 17p12.
Variant type: single nucleotide variant.
Coding change: c.4588G>A on transcript NM_001372.4 (MANE Select); coding-DNA position 4588, G replaced by A.
Protein change: p.Glu1530Lys; replaces glutamic acid 1530 with lysine.
Molecular consequence: missense variant.
Genome position (GRCh38, 1-based): chr17:11,690,410, G>A. VCF-style: chr17-11690410-G-A. GRCh37 (hg19) VCF-style: chr17-11593727-G-A.
Other names: p.Glu1530Lys; short protein forms E1530K.
Identifiers: ClinVar variation 4820336 (VCV004820336.1), dbSNP rs746737529.